The following is an entry in ClinVar:

NM_001378778.1(MPDZ):c.534-3T>C

Gene: MPDZ (multiple PDZ domain crumbs cell polarity complex component; minus strand). Cytogenetic location: 9p23.
Variant type: single nucleotide variant.
Coding change: c.534-3T>C on transcript NM_001378778.1 (MANE Select); 3 bases into the intron before coding-DNA position 534, T replaced by C.
Molecular consequence: intron variant.
Genome position (GRCh38, 1-based): chr9:13,222,449, A>G on the plus strand (T>C on the coding strand, the complement: MPDZ is on the minus strand). VCF-style: chr9-13222449-A-G. GRCh37 (hg19) VCF-style: chr9-13222448-A-G.
Other names: c.534-3T>C (NM_001375425.1, NM_001375420.1, NM_001375419.1 and 15 more transcripts).
Identifiers: ClinVar variation 1397365 (VCV001397365.5), dbSNP rs565080760, ClinGen allele CA4988076.

ClinVar aggregate classification (germline): Uncertain significance. Review status: criteria provided, single submitter (1 of 4 stars). 2 submissions from 2 submitters: Uncertain significance (1). 1 of the submissions does not count toward it. Last evaluated 2022-01-13.

Conditions:
MPDZ-related disorder. Also called: MPDZ-related condition.

Allele frequency attached by ClinVar (database versions not stated): gnomAD 0.00001 and 0.00007; TOPMed 0.00003; gnomAD exomes 0.00010 and 0.00021; 1000 Genomes Project 0.00020; ExAC 0.00026; 1000 Genomes Project 30x 0.00047.
gnomAD v4.1: 155 of 1,608,852 alleles (0.0096%); highest among the groups gnomAD compares: South Asian, 0.16%; 2 homozygotes.

Submissions (2):

Labcorp Genetics (formerly Invitae), Labcorp
Classification: Uncertain significance. Last evaluated: 2022-01-13. Review status: criteria provided, single submitter. Criteria: Invitae Variant Classification Sherloc (09022015). Collection method: clinical testing. Allele origin: germline.
Comment: This sequence change falls in intron 5 of the MPDZ gene. It does not directly change the encoded amino acid sequence of the MPDZ protein. It affects a nucleotide within the consensus splice site. This variant is present in population databases (rs565080760, gnomAD 0.2%). This variant has not been reported in the literature in individuals affected with MPDZ-related conditions. Variants that disrupt the consensus splice site are a relatively common cause of aberrant splicing (PMID: 17576681, 9536098). Algorithms developed to predict the effect of sequence changes on RNA splicing suggest that this variant is not likely to affect RNA splicing. In summary, the available evidence is currently insufficient to determine the role of this variant in disease. Therefore, it has been classified as a Variant of Uncertain Significance.

PreventionGenetics, part of Exact Sciences
Classification: Likely benign for MPDZ-related condition. Last evaluated: 2019-12-30. Review status: no assertion criteria provided. Collection method: clinical testing. Allele origin: germline. Not counted in ClinVar's aggregate classification.
Comment: This variant is classified as likely benign based on ACMG/AMP sequence variant interpretation guidelines (Richards et al. 2015 PMID: 25741868, with internal and published modifications).

Literature cited by the submitters: PubMed 17576681 (cited by Labcorp Genetics (formerly Invitae), Labcorp); PubMed 9536098 (cited by Labcorp Genetics (formerly Invitae), Labcorp).